The following is an entry in ClinVar:

ClinVar aggregate classification (germline): Pathogenic (1 of 4 stars; one submission).

Conditions:
Maple syrup urine disease (MSUD). Identifiers: Orphanet 511, MedGen C0024776, MeSH D008375, MONDO:0009563. Disease mechanism: loss of function.

Submission:

Labcorp Genetics (formerly Invitae), Labcorp
Classification: Pathogenic for Maple syrup urine disease. Last evaluated: 2023-10-15. Review status: criteria provided, single submitter. Criteria: Invitae Variant Classification Sherloc (09022015). Collection method: clinical testing. Allele origin: unknown.
Comment: This variant is a gross deletion of the genomic region encompassing exon(s) 2-3 of the BCKDHB gene. This variant would be expected to be in-frame, preserving the integrity of the reading frame. This variant has not been reported in the literature in individuals affected with BCKDHB-related conditions. This variant disrupts a region of the BCKDHB protein in which other variant(s) (p.Gly101Asp) have been determined to be pathogenic (PMID: 31980395, 32151765; Invitae). This suggests that this is a clinically significant region of the protein, and that variants that disrupt it are likely to be disease-causing. For these reasons, this variant has been classified as Pathogenic.

Literature cited by the submitters: PubMed 31980395; PubMed 32151765.

NC_000006.11:g.(?_80837244)_(80838966_?)del

Gene: BCKDHB (branched chain keto acid dehydrogenase E1 subunit beta; plus strand). Cytogenetic location: 6q14.1.
Variant type: Deletion.
Identifiers: ClinVar variation 3245953 (VCV003245953.1).